The following is an entry in ClinVar:

ClinVar aggregate classification (germline): Uncertain significance (1 of 4 stars; one submission).

Submission:

CeGaT Center for Human Genetics Tuebingen
Classification: Uncertain significance. Last evaluated: 2022-06-01. Review status: criteria provided, single submitter. Criteria: CeGaT Center For Human Genetics Tuebingen Variant Classification Criteria Version 2. Collection method: clinical testing. Allele origin: germline. Affected: yes. Observed: 1 variant allele.
Comment: KIF5A: PM2:Supporting, BP4

NM_004984.4(KIF5A):c.2628G>A (p.Glu876=)

Gene: KIF5A (kinesin family member 5A; plus strand). Cytogenetic location: 12q13.3.
Variant type: single nucleotide variant.
Coding change: c.2628G>A on transcript NM_004984.4 (MANE Select); coding-DNA position 2628, G replaced by A.
Protein change: p.Glu876=; no amino-acid change (glutamic acid 876 retained).
Molecular consequence: synonymous variant.
Genome position (GRCh38, 1-based): chr12:57,581,045, G>A. VCF-style: chr12-57581045-G-A. GRCh37 (hg19) VCF-style: chr12-57974828-G-A.
Other names: c.2361G>A, p.Glu787= (NM_001354705.2).
Identifiers: ClinVar variation 2643140 (VCV002643140.24), dbSNP rs2540514681, ClinGen allele CA480265753.